The following continues an entry in ClinVar:

NM_000545.5(HNF1A):c.598C>T (p.Arg200Trp)

Gene: HNF1A. ClinVar aggregate classification (germline): Pathogenic. Pathogenic (1).

Submissions 7 to 11 of 11:

Blueprint Genetics
Classification: Pathogenic for HNF1A-related disorders. Last evaluated: 2023-08-23. Review status: criteria provided, single submitter. Criteria: ACMG Guidelines, 2015. Collection method: clinical testing. Allele origin: germline. Affected: yes. Observed: 4 variant alleles. Not counted in ClinVar's aggregate classification.

Geisinger Clinic, Geisinger Health System
Classification: Pathogenic for Maturity-onset diabetes of the young type 3. Last evaluated: 2022-08-02. Review status: criteria provided, single submitter. Criteria: ACMG Guidelines, 2015. Collection method: research. Allele origin: germline. Inheritance: Autosomal dominant inheritance. Affected: yes. Observed: 1 variant allele. Not counted in ClinVar's aggregate classification.
Comment: PS4, PP1_strong, PM2, PM5, PP3, PP4

Athena Diagnostics
Classification: Pathogenic. Last evaluated: 2021-07-01. Review status: criteria provided, single submitter. Criteria: Athena Diagnostics Criteria. Collection method: clinical testing. Allele origin: unknown. Not counted in ClinVar's aggregate classification.
Comment: This variant was not reported in large, multi-ethnic, general populations. This variant associates with disease in multiple families. At least one other missense variant at this codon is considered to be pathogenic or likely pathogenic. Assessment of experimental evidence suggests this variant results in abnormal protein function. Experiments show this variant results in significant loss of nuclear localization of the HNF-1alpha protein (PMID: 16274290). The variant is located in a region that is considered important for protein function and/or structure.

Women's Health and Genetics/Laboratory Corporation of America, LabCorp
Classification: Pathogenic for Maturity-onset diabetes of the young. Last evaluated: 2021-05-14. Review status: criteria provided, single submitter. Criteria: LabCorp Variant Classification Summary - May 2015. Collection method: clinical testing. Allele origin: germline. Not counted in ClinVar's aggregate classification.
Comment: Variant summary: HNF1A c.598C>T (p.Arg200Trp) results in a non-conservative amino acid change located in the Homeobox domain (IPR001356) of the encoded protein sequence. Five of five in-silico tools predict a damaging effect of the variant on protein function. The variant was absent in 251336 control chromosomes (gnomAD). c.598C>T has been reported in the literature in multiple individuals affected with Maturity Onset Diabetes Of The Young 3 and has been documented to co-segregate with disease in affected families (e.g. Chevre_1998, Frayling_2001, Barrio_2002, Sahu_2007, Yorifuji_2012, Flannick_2013, Docena_2014, Bonnefond_2020, Ma_2020). These data indicate that the variant is very likely to be associated with disease. Experimental evidence evaluating an impact on protein function demonstrated the variant causes a defect in nuclear import which is expected to lead to altered gene activity. No clinical diagnostic laboratories have submitted clinical-significance assessments for this variant to ClinVar after 2014. Based on the evidence outlined above, the variant was classified as pathogenic.

Seattle Children's Hospital Molecular Genetics Laboratory, Seattle Children's Hospital
Classification: Pathogenic for Maturity-onset diabetes of the young type 3. Review status: no assertion criteria provided. Collection method: clinical testing. Allele origin: germline. Affected: yes. Not counted in ClinVar's aggregate classification.

Literature cited by the submitters: PubMed 37396188 (cited by Variantyx, Inc. and Labcorp Genetics (formerly Invitae), Labcorp); PubMed 9754819 (cited by 4 submitters); PubMed 33852230 (cited by Variantyx, Inc.); PubMed 34789499 (cited by Variantyx, Inc.); PubMed 35796342 (cited by Variantyx, Inc.); PubMed 36257325 (cited by Variantyx, Inc. and Geisinger Clinic, Geisinger Health System); PubMed 36504295 (cited by Variantyx, Inc.); PubMed 22060211 (cited by 3 submitters); PubMed 15522234 (cited by Labcorp Genetics (formerly Invitae), Labcorp); PubMed 15841481 (cited by Labcorp Genetics (formerly Invitae), Labcorp); PubMed 16274290 (cited by 3 submitters); PubMed 30663027 (cited by Labcorp Genetics (formerly Invitae), Labcorp); PubMed 28410371 (cited by Athena Diagnostics); PubMed 24014008 (cited by Athena Diagnostics and Women's Health and Genetics/Laboratory Corporation of America, LabCorp); PubMed 33046911 (cited by Athena Diagnostics and Women's Health and Genetics/Laboratory Corporation of America, LabCorp); PubMed 32238361 (cited by Athena Diagnostics and Women's Health and Genetics/Laboratory Corporation of America, LabCorp); PubMed 29927023 (cited by Athena Diagnostics); PubMed 12453420 (cited by Athena Diagnostics); PubMed 12050210 (cited by Athena Diagnostics and Women's Health and Genetics/Laboratory Corporation of America, LabCorp); PubMed 17440016 (cited by Athena Diagnostics and Women's Health and Genetics/Laboratory Corporation of America, LabCorp); PubMed 24097065 (cited by Women's Health and Genetics/Laboratory Corporation of America, LabCorp); PubMed 11272211 (cited by Women's Health and Genetics/Laboratory Corporation of America, LabCorp).